The following is an entry in ClinVar:

NM_006279.5(ST3GAL3):c.824A>G (p.Tyr275Cys)

Gene: ST3GAL3 (ST3 beta-galactoside alpha-2,3-sialyltransferase 3; plus strand). Cytogenetic location: 1p34.1.
Variant type: single nucleotide variant.
Coding change: c.824A>G on transcript NM_006279.5 (MANE Select); coding-DNA position 824, A replaced by G.
Protein change: p.Tyr275Cys; replaces tyrosine 275 with cysteine.
Molecular consequence: missense variant. On other transcripts: non-coding transcript variant (6), intron variant (12).
Genome position (GRCh38, 1-based): chr1:43,920,483, A>G. VCF-style: chr1-43920483-A-G. GRCh37 (hg19) VCF-style: chr1-44386155-A-G.
Other names: c.731A>G, p.Tyr244Cys (NM_001270460.2); c.869A>G, p.Tyr290Cys (NM_001350619.2, NM_174964.4); c.824A>G, p.Tyr275Cys (NM_001350620.2); c.545A>G, p.Tyr182Cys (NM_001350621.2); c.1031A>G, p.Tyr344Cys (NM_174963.5); c.986A>G, p.Tyr329Cys (NM_174968.5); c.776A>G, p.Tyr259Cys (NM_174969.4); c.938A>G, p.Tyr313Cys (NM_174971.5); and 12 more; short protein forms Y182C, Y259C, Y313C, Y344C, Y244C, Y275C, Y290C, Y329C.
Identifiers: ClinVar variation 1407608 (VCV001407608.9), dbSNP rs2082844238, ClinGen allele CA340031922.

ClinVar aggregate classification (germline): Uncertain significance (1 of 4 stars; one submission).

Conditions:
Early-infantile DEE. Also called: Early infantile epileptic encephalopathy; Ohtahara syndrome; Early infantile epileptic encephalopathy with suppression bursts. Identifiers: Orphanet 1934, MedGen C0393706, MONDO:0800491.

Submission:

Labcorp Genetics (formerly Invitae), Labcorp
Classification: Uncertain significance for Early-infantile DEE. Last evaluated: 2021-02-06. Review status: criteria provided, single submitter. Criteria: Invitae Variant Classification Sherloc (09022015). Collection method: clinical testing. Allele origin: germline.
Comment: In summary, the available evidence is currently insufficient to determine the role of this variant in disease. Therefore, it has been classified as a Variant of Uncertain Significance. Algorithms developed to predict the effect of missense changes on protein structure and function are either unavailable or do not agree on the potential impact of this missense change (SIFT: "Tolerated"; PolyPhen-2: "Probably Damaging"; Align-GVGD: "Class C0"). This variant has not been reported in the literature in individuals with ST3GAL3-related conditions. This variant is not present in population databases (ExAC no frequency). This sequence change replaces tyrosine with cysteine at codon 275 of the ST3GAL3 protein (p.Tyr275Cys). The tyrosine residue is moderately conserved and there is a large physicochemical difference between tyrosine and cysteine.